The following is an entry in ClinVar:

ClinVar aggregate classification (germline): Uncertain significance (1 of 4 stars; one submission).

Conditions:
Long QT syndrome (LQTS). Identifiers: MedGen C0023976, MeSH D008133, MONDO:0002442. Disease mechanism: loss of function. Inheritance: Various modes of inheritance.

Submission:

Labcorp Genetics (formerly Invitae), Labcorp
Classification: Uncertain significance for Long QT syndrome. Last evaluated: 2023-04-11. Review status: criteria provided, single submitter. Criteria: Invitae Variant Classification Sherloc (09022015). Collection method: clinical testing. Allele origin: germline.
Comment: In summary, the available evidence is currently insufficient to determine the role of this variant in disease. Therefore, it has been classified as a Variant of Uncertain Significance. Variants that disrupt the consensus splice site are a relatively common cause of aberrant splicing (PMID: 17576681, 9536098). Algorithms developed to predict the effect of sequence changes on RNA splicing suggest that this variant is not likely to affect RNA splicing. This variant has not been reported in the literature in individuals affected with KCNH2-related conditions. This variant is not present in population databases (gnomAD no frequency). This sequence change falls in intron 9 of the KCNH2 gene. It does not directly change the encoded amino acid sequence of the KCNH2 protein. It affects a nucleotide within the consensus splice site.

Literature cited by the submitters: PubMed 17576681; PubMed 9536098.

NM_000238.4(KCNH2):c.2398+4T>G

Gene: KCNH2 (potassium voltage-gated channel subfamily H member 2; minus strand). Cytogenetic location: 7q36.1.
Variant type: single nucleotide variant.
Coding change: c.2398+4T>G on transcript NM_000238.4 (MANE Select); 4 bases into the intron after coding-DNA position 2398, T replaced by G.
Molecular consequence: intron variant. On other transcripts: missense variant (5).
Genome position (GRCh38, 1-based): chr7:150,950,164, A>C on the plus strand (T>G on the coding strand, the complement: KCNH2 is on the minus strand). VCF-style: chr7-150950164-A-C. GRCh37 (hg19) VCF-style: chr7-150647252-A-C.
Other names: c.1382T>G, p.Met461Arg (NM_001204798.2); c.2225T>G, p.Met742Arg (NM_001406755.1); c.2114T>G, p.Met705Arg (NM_001406756.1); c.2102T>G, p.Met701Arg (NM_001406757.1); c.2402T>G, p.Met801Arg (NM_172056.3); c.2110+4T>G (NM_001406753.1); c.1378+4T>G (NM_172057.3); short protein forms M461R, M701R, M742R, M705R, M801R.
Identifiers: ClinVar variation 2835825 (VCV002835825.3), dbSNP rs1057520559, ClinGen allele CA369855972.